The following is an entry in ClinVar:

NC_000014.8:g.(?_23859246)_(23888838_?)dup

Genes: MYH6 (myosin heavy chain 6; minus strand), MIR208B (microRNA 208b; minus strand), MYH7 (myosin heavy chain 7; minus strand). Cytogenetic location: 14q11.2.
Variant type: Duplication.
Identifiers: ClinVar variation 1374132 (VCV001374132.5).

ClinVar aggregate classification (germline): Uncertain significance. Review status: criteria provided, single submitter (1 of 4 stars). 2 submissions from 1 submitter: Uncertain significance (2). Last evaluated 2023-12-09.

Conditions:
Hypertrophic cardiomyopathy 14. Identifiers: MedGen C2750467, MONDO:0013197, OMIM 613251.
Hypertrophic cardiomyopathy. Also called: HYPERTROPHIC MYOCARDIOPATHY. Identifiers: Orphanet 217569, MedGen C0007194, MeSH D002312, MONDO:0005045, HP:0001639.

Submissions (2):

Labcorp Genetics (formerly Invitae), Labcorp
Classification: Uncertain significance for Hypertrophic cardiomyopathy. Last evaluated: 2023-12-09. Review status: criteria provided, single submitter. Criteria: Invitae Variant Classification Sherloc (09022015). Collection method: clinical testing. Allele origin: germline.
Comment: This variant results in a copy number gain of the genomic region encompassing exon(s) 28-40 of the MYH7 gene. This region includes the termination codon of the gene. This copy number gain extends beyond the assayed region for this gene and therefore may encompass additional genes. As the precise location of this event is unknown, it may be in tandem or it may be located elsewhere in the genome. This variant has not been reported in the literature in individuals affected with MYH7-related conditions. Experimental studies and prediction algorithms are not available or were not evaluated, and the functional significance of this variant is currently unknown. In summary, the available evidence is currently insufficient to determine the role of this variant in disease. Therefore, it has been classified as a Variant of Uncertain Significance.

Labcorp Genetics (formerly Invitae), Labcorp
Classification: Uncertain significance for Hypertrophic cardiomyopathy 14. Last evaluated: 2022-08-12. Review status: criteria provided, single submitter. Criteria: Invitae Variant Classification Sherloc (09022015). Collection method: clinical testing. Allele origin: germline.
Comment: This variant results in a copy number gain of the genomic region encompassing exon(s) 1-26 of the MYH6 gene. This region includes the initiator codon of the gene. This copy number gain extends beyond the assayed region for this gene and therefore may encompass additional genes. As the precise location of this event is unknown, it may be in tandem or it may be located elsewhere in the genome. This variant has not been reported in the literature in individuals affected with MYH6-related conditions. Experimental studies and prediction algorithms are not available or were not evaluated, and the functional significance of this variant is currently unknown. In summary, the available evidence is currently insufficient to determine the role of this variant in disease. Therefore, it has been classified as a Variant of Uncertain Significance.